The following is an entry in ClinVar:

NM_002582.4(PARN):c.973A>G (p.Thr325Ala)

Gene: PARN (poly(A)-specific ribonuclease; minus strand). Cytogenetic location: 16p13.12.
Variant type: single nucleotide variant.
Coding change: c.973A>G on transcript NM_002582.4 (MANE Select); coding-DNA position 973, A replaced by G.
Protein change: p.Thr325Ala; replaces threonine 325 with alanine.
Molecular consequence: missense variant.
Genome position (GRCh38, 1-based): chr16:14,584,781, T>C on the plus strand (A>G on the coding strand, the complement: PARN is on the minus strand). VCF-style: chr16-14584781-T-C. GRCh37 (hg19) VCF-style: chr16-14678638-T-C.
Other names: c.790A>G, p.Thr264Ala (NM_001134477.3); c.835A>G, p.Thr279Ala (NM_001242992.2); short protein forms T264A, T279A, T325A.
Identifiers: ClinVar variation 3762629 (VCV003762629.2).
Genomic context (GRCh38, chr16:14,584,781, plus strand): 5'-GCTTTATAAAGTAGCAAATGAATAATACCTTAAAAGGTTGTGTGCTGGCCATCAATTTAG[T>C]ATCCAAGAGTCTAAAAAGAATTTTTAACAAGGTAAACAAAATGTATATCAATGTTTAAAA-3'
Protein context (NP_002573.1, residues 315-335): TTCVFPRLLD[Thr325Ala]KLMASTQPFK

ClinVar aggregate classification (germline): Uncertain significance (1 of 4 stars; one submission).

Conditions:
Dyskeratosis congenita, autosomal recessive 6 (DKCB6). Identifiers: MedGen C4225356, MONDO:0014600, OMIM 616353.
Pulmonary fibrosis and/or bone marrow failure, Telomere-related, 4. Also called: PULMONARY FIBROSIS AND/OR BONE MARROW FAILURE SYNDROME, TELOMERE-RELATED, 4. Identifiers: Orphanet 2032, MedGen C4225347, MONDO:0014612, OMIM 616371.

Submission:

Labcorp Genetics (formerly Invitae), Labcorp
Classification: Uncertain significance for Dyskeratosis congenita, autosomal recessive 6; Pulmonary fibrosis and/or bone marrow failure, Telomere-related, 4. Last evaluated: 2025-11-11. Review status: criteria provided, single submitter. Criteria: Invitae Variant Classification Sherloc (09022015). Collection method: clinical testing. Allele origin: germline.
Comment: This sequence change replaces threonine, which is neutral and polar, with alanine, which is neutral and non-polar, at codon 325 of the PARN protein (p.Thr325Ala). The frequency data for this variant in the population databases is considered unreliable, as metrics indicate poor data quality at this position in the gnomAD database. This variant has not been reported in the literature in individuals affected with PARN-related conditions. ClinVar contains an entry for this variant (Variation ID: 3762629). Invitae Evidence Modeling of protein sequence and biophysical properties (such as structural, functional, and spatial information, amino acid conservation, physicochemical variation, residue mobility, and thermodynamic stability) indicates that this missense variant is expected to disrupt PARN protein function with a positive predictive value of 80%. In summary, the available evidence is currently insufficient to determine the role of this variant in disease. Therefore, it has been classified as a Variant of Uncertain Significance.